The following is an entry in ClinVar:

NM_000069.3(CACNA1S):c.1852T>G (p.Ser618Ala)

Gene: CACNA1S (calcium voltage-gated channel subunit alpha1 S; minus strand). Cytogenetic location: 1q32.1.
Variant type: single nucleotide variant.
Coding change: c.1852T>G on transcript NM_000069.3 (MANE Select); coding-DNA position 1852, T replaced by G.
Protein change: p.Ser618Ala; replaces serine 618 with alanine.
Molecular consequence: missense variant.
Genome position (GRCh38, 1-based): chr1:201,075,591, A>C on the plus strand (T>G on the coding strand, the complement: CACNA1S is on the minus strand). VCF-style: chr1-201075591-A-C. GRCh37 (hg19) VCF-style: chr1-201044719-A-C.
Other names: short protein forms S618A.
Identifiers: ClinVar variation 473968 (VCV000473968.14), dbSNP rs149195094, ClinGen allele CA078626.

ClinVar aggregate classification (germline): Conflicting classifications of pathogenicity. Review status: criteria provided, conflicting classifications (1 of 4 stars). 4 submissions from 4 submitters: Uncertain significance (3); Likely benign (1). Last evaluated 2025-11-02.

Conditions:
Hypokalemic periodic paralysis, type 1. Also called: HypoPP; Hypokalemic Periodic Paralysis Type 1 (AD). Identifiers: Orphanet 681, MedGen C3714580, MONDO:0042979, OMIM 170400.
Malignant hyperthermia, susceptibility to, 5 (MHS5). Also called: CACNA1S-Related Malignant Hyperthermia Susceptibility. Identifiers: Orphanet 423, MedGen C1866077, MONDO:0011163, OMIM 601887.
Congenital myopathy 18. Also called: Myopathy, congenital, due to dihydropyridine receptor defect; DIHYDROPYRIDINE RECEPTOR CONGENITAL MYOPATHY; DHPR CONGENITAL MYOPATHY. Identifiers: MedGen C5830283, MONDO:0859514, OMIM 620246.
Thyrotoxic periodic paralysis, susceptibility to, 1 (TTPP1). Identifiers: Orphanet 79102, MedGen C2749982, MONDO:0008570, OMIM 188580.

Allele frequency attached by ClinVar (database versions not stated): gnomAD exomes 0.00001 and 0.00002; ExAC 0.00002; TOPMed 0.00003; gnomAD 0.00005; ESP Exome Variant Server 0.00015.
gnomAD v4.1: 20 of 1,614,020 alleles (0.0012%); highest among the groups gnomAD compares: African/African-American, 0.0067%; no homozygotes.

Submissions (4):

Labcorp Genetics (formerly Invitae), Labcorp
Classification: Likely benign for Hypokalemic periodic paralysis, type 1; Malignant hyperthermia, susceptibility to, 5. Last evaluated: 2025-11-02. Review status: criteria provided, single submitter. Criteria: Invitae Variant Classification Sherloc (09022015). Collection method: clinical testing. Allele origin: germline.

Color Diagnostics, LLC DBA Color Health
Classification: Uncertain significance for Malignant hyperthermia, susceptibility to, 5. Last evaluated: 2025-06-23. Review status: criteria provided, single submitter. Criteria: ACMG Guidelines, 2015. Collection method: clinical testing. Allele origin: germline.
Comment: This missense variant replaces serine with alanine at codon 618 of the CACNA1S protein. Computational prediction suggests that this variant may not impact protein structure and function. To our knowledge, functional studies have not been reported for this variant. This variant has not been reported in individuals affected with CACNA1S-related disorders in the literature. This variant has been identified in 5/251484 chromosomes in the general population by the Genome Aggregation Database (gnomAD). The available evidence is insufficient to determine the role of this variant in disease conclusively. Therefore, this variant is classified as a Variant of Uncertain Significance.

Blueprint Genetics
Classification: Uncertain significance. Last evaluated: 2024-11-22. Review status: criteria provided, single submitter. Criteria: ACMG Guidelines, 2015. Collection method: clinical testing. Allele origin: germline.

Fulgent Genetics
Classification: Uncertain significance for Hypokalemic periodic paralysis, type 1; Thyrotoxic periodic paralysis, susceptibility to, 1; Malignant hyperthermia, susceptibility to, 5; Congenital myopathy 18. Last evaluated: 2024-01-18. Review status: criteria provided, single submitter. Criteria: ACMG Guidelines, 2015. Collection method: clinical testing. Allele origin: germline.